The following is an entry in ClinVar:

ClinVar aggregate classification (germline): Uncertain significance. Review status: criteria provided, multiple submitters, no conflicts (2 of 4 stars). 2 submissions from 2 submitters: Uncertain significance (2). Last evaluated 2024-03-18.

Conditions:
Hereditary cancer-predisposing syndrome. Also called: Hereditary neoplastic syndrome; Neoplastic Syndromes, Hereditary; Hereditary Cancer Syndrome; Tumor predisposition. Identifiers: Orphanet 140162, MedGen C0027672, MeSH D009386, MONDO:0015356.

Submissions (2):

Ambry Genetics
Classification: Uncertain significance for Hereditary cancer-predisposing syndrome. Last evaluated: 2024-03-18. Review status: criteria provided, single submitter. Criteria: Ambry Variant Classification Scheme 2023. Collection method: clinical testing. Allele origin: germline.
Comment: The p.Q426L variant (also known as c.1277A>T), located in coding exon 9 of the RAD50 gene, results from an A to T substitution at nucleotide position 1277. The glutamine at codon 426 is replaced by leucine, an amino acid with dissimilar properties. This amino acid position is conserved. In addition, this alteration is predicted to be tolerated by in silico analysis. Based on the available evidence, the clinical significance of this alteration remains unclear.

Labcorp Genetics (formerly Invitae), Labcorp
Classification: Uncertain significance for Hereditary cancer-predisposing syndrome. Last evaluated: 2022-10-08. Review status: criteria provided, single submitter. Criteria: Invitae Variant Classification Sherloc (09022015). Collection method: clinical testing. Allele origin: germline.
Comment: In summary, the available evidence is currently insufficient to determine the role of this variant in disease. Therefore, it has been classified as a Variant of Uncertain Significance. Advanced modeling of protein sequence and biophysical properties (such as structural, functional, and spatial information, amino acid conservation, physicochemical variation, residue mobility, and thermodynamic stability) performed at Invitae indicates that this missense variant is expected to disrupt RAD50 protein function. This variant has not been reported in the literature in individuals affected with RAD50-related conditions. This variant is not present in population databases (gnomAD no frequency). This sequence change replaces glutamine, which is neutral and polar, with leucine, which is neutral and non-polar, at codon 426 of the RAD50 protein (p.Gln426Leu).

NM_005732.4(RAD50):c.1277A>T (p.Gln426Leu)

Gene: RAD50 (RAD50 double strand break repair protein; plus strand). Cytogenetic location: 5q31.1.
Variant type: single nucleotide variant.
Coding change: c.1277A>T on transcript NM_005732.4 (MANE Select); coding-DNA position 1277, A replaced by T.
Protein change: p.Gln426Leu; replaces glutamine 426 with leucine.
Molecular consequence: missense variant.
Genome position (GRCh38, 1-based): chr5:132,589,662, A>T. VCF-style: chr5-132589662-A-T. GRCh37 (hg19) VCF-style: chr5-131925354-A-T.
Other names: c.1277A>T (NM_005732.3); short protein forms Q426L.
Identifiers: ClinVar variation 1721272 (VCV001721272.7), dbSNP rs145428112, ClinGen allele CA360943644.